The following is an entry in ClinVar:

NM_015261.3(NCAPD3):c.2257A>G (p.Asn753Asp)

Gene: NCAPD3 (non-SMC condensin II complex subunit D3; minus strand). Cytogenetic location: 11q25.
Variant type: single nucleotide variant.
Coding change: c.2257A>G on transcript NM_015261.3 (MANE Select); coding-DNA position 2257, A replaced by G.
Protein change: p.Asn753Asp; replaces asparagine 753 with aspartic acid.
Molecular consequence: missense variant.
Genome position (GRCh38, 1-based): chr11:134,184,981, T>C on the plus strand (A>G on the coding strand, the complement: NCAPD3 is on the minus strand). VCF-style: chr11-134184981-T-C. GRCh37 (hg19) VCF-style: chr11-134054876-T-C.
Other names: c.2257A>G, p.Asn753Asp (NM_001372065.1, NM_001372068.1); c.1843A>G, p.Asn615Asp (NM_001372069.1, NM_001372070.1); short protein forms N615D, N753D.
Identifiers: ClinVar variation 1029375 (VCV001029375.3), dbSNP rs138551616, ClinGen allele CA6371358.

ClinVar aggregate classification (germline): Conflicting classifications of pathogenicity. Review status: criteria provided, conflicting classifications (1 of 4 stars). 3 submissions from 3 submitters: Uncertain significance (1); Likely benign (2). Last evaluated 2025-08-18.

Conditions:
Microcephaly 22, primary, autosomal recessive. Identifiers: MedGen C4693834, MONDO:0054805, OMIM 617984.
NCAPD3-related disorder. Also called: NCAPD3-related condition.

Allele frequency attached by ClinVar (database versions not stated): gnomAD exomes 0.00028; ExAC 0.00035; 1000 Genomes Project 30x 0.00094; gnomAD 0.00097 and 0.00106; 1000 Genomes Project 0.00100; TOPMed 0.00124; ESP Exome Variant Server 0.00131.
gnomAD v4.1: 285 of 1,613,528 alleles (0.018%); highest among the groups gnomAD compares: African/African-American, 0.32%; 1 homozygote.

Submissions (3):

PreventionGenetics, part of Exact Sciences
Classification: Likely benign for NCAPD3-related condition. Last evaluated: 2025-08-18. Review status: criteria provided, single submitter. Criteria: ACMG Guidelines, 2015. Collection method: clinical testing. Allele origin: germline.
Comment: This variant is classified as likely benign based on ACMG/AMP sequence variant interpretation guidelines (Richards et al. 2015 PMID: 25741868, with internal and published modifications).

Ambry Genetics
Classification: Likely benign. Last evaluated: 2025-08-05. Review status: criteria provided, single submitter. Criteria: Ambry Variant Classification Scheme 2023. Collection method: clinical testing. Allele origin: germline.

Baylor Genetics
Classification: Uncertain significance for Microcephaly 22, primary, autosomal recessive. Last evaluated: 2019-09-11. Review status: criteria provided, single submitter. Criteria: ACMG Guidelines, 2015. Collection method: clinical testing. Allele origin: unknown. Affected: yes.
Comment: This variant was determined to be of uncertain significance according to ACMG Guidelines, 2015 [PMID:25741868].